The following is an entry in ClinVar:

NM_002227.4(JAK1):c.653A>T (p.Lys218Met)

Gene: JAK1 (Janus kinase 1; minus strand). Cytogenetic location: 1p31.3.
Variant type: single nucleotide variant.
Coding change: c.653A>T on transcript NM_002227.4 (MANE Select); coding-DNA position 653, A replaced by T.
Protein change: p.Lys218Met; replaces lysine 218 with methionine.
Molecular consequence: missense variant.
Genome position (GRCh38, 1-based): chr1:64,867,203, T>A on the plus strand (A>T on the coding strand, the complement: JAK1 is on the minus strand). VCF-style: chr1-64867203-T-A. GRCh37 (hg19) VCF-style: chr1-65332886-T-A.
Other names: c.653A>T, p.Lys218Met (NM_001320923.2, NM_001321852.2, NM_001321853.2 and 4 more transcripts); short protein forms K218M.
Identifiers: ClinVar variation 1716351 (VCV001716351.5), dbSNP rs2522936238, ClinGen allele CA340676287.

ClinVar aggregate classification (germline): Uncertain significance (1 of 4 stars; one submission).

Submission:

Labcorp Genetics (formerly Invitae), Labcorp
Classification: Uncertain significance. Last evaluated: 2022-08-21. Review status: criteria provided, single submitter. Criteria: Invitae Variant Classification Sherloc (09022015). Collection method: clinical testing. Allele origin: germline.
Comment: Algorithms developed to predict the effect of missense changes on protein structure and function are either unavailable or do not agree on the potential impact of this missense change (SIFT: "Not Available"; PolyPhen-2: "Probably Damaging"; Align-GVGD: "Not Available"). In summary, the available evidence is currently insufficient to determine the role of this variant in disease. Therefore, it has been classified as a Variant of Uncertain Significance. Algorithms developed to predict the effect of sequence changes on RNA splicing suggest that this variant may create or strengthen a splice site. This variant has not been reported in the literature in individuals affected with JAK1-related conditions. This variant is not present in population databases (gnomAD no frequency). This sequence change replaces lysine, which is basic and polar, with methionine, which is neutral and non-polar, at codon 218 of the JAK1 protein (p.Lys218Met).